The following is an entry in ClinVar:

ClinVar aggregate classification (germline): Uncertain significance (1 of 4 stars; one submission).

Allele frequency attached by ClinVar (database versions not stated): gnomAD exomes below 0.00001; TOPMed below 0.00001.

Submission:

Labcorp Genetics (formerly Invitae), Labcorp
Classification: Uncertain significance. Last evaluated: 2021-04-23. Review status: criteria provided, single submitter. Criteria: Invitae Variant Classification Sherloc (09022015). Collection method: clinical testing. Allele origin: germline.
Comment: This sequence change replaces glutamic acid with alanine at codon 277 of the MCM4 protein (p.Glu277Ala). The glutamic acid residue is moderately conserved and there is a moderate physicochemical difference between glutamic acid and alanine. This variant is not present in population databases (ExAC no frequency). This variant has not been reported in the literature in individuals with MCM4-related conditions. Algorithms developed to predict the effect of missense changes on protein structure and function are either unavailable or do not agree on the potential impact of this missense change (SIFT: "Tolerated"; PolyPhen-2: "Benign"; Align-GVGD: "Class C25"). In summary, the available evidence is currently insufficient to determine the role of this variant in disease. Therefore, it has been classified as a Variant of Uncertain Significance.

NM_182746.3(MCM4):c.830A>C (p.Glu277Ala)

Gene: MCM4 (minichromosome maintenance complex component 4; plus strand). Cytogenetic location: 8q11.21.
Variant type: single nucleotide variant.
Coding change: c.830A>C on transcript NM_182746.3 (MANE Select); coding-DNA position 830, A replaced by C.
Protein change: p.Glu277Ala; replaces glutamic acid 277 with alanine.
Molecular consequence: missense variant.
Genome position (GRCh38, 1-based): chr8:47,964,710, A>C. VCF-style: chr8-47964710-A-C. GRCh37 (hg19) VCF-style: chr8-48877270-A-C.
Other names: c.830A>C, p.Glu277Ala (NM_005914.4); short protein forms E277A.
Identifiers: ClinVar variation 1369840 (VCV001369840.8), dbSNP rs769348624, ClinGen allele CA176155775.